The following is an entry in ClinVar:

NM_015001.3(SPEN):c.5995A>G (p.Lys1999Glu)

Gene: SPEN (spen family transcriptional repressor; plus strand). Cytogenetic location: 1p36.13.
Variant type: single nucleotide variant.
Coding change: c.5995A>G on transcript NM_015001.3 (MANE Select); coding-DNA position 5995, A replaced by G.
Protein change: p.Lys1999Glu; replaces lysine 1999 with glutamic acid.
Molecular consequence: missense variant.
Genome position (GRCh38, 1-based): chr1:15,932,235, A>G. VCF-style: chr1-15932235-A-G. GRCh37 (hg19) VCF-style: chr1-16258730-A-G.
Other names: short protein forms K1999E.
Identifiers: ClinVar variation 5007959 (VCV005007959.1).

ClinVar aggregate classification (germline): Uncertain significance (1 of 4 stars; one submission).

Submission:

GeneDx
Classification: Uncertain significance. Last evaluated: 2026-02-25. Review status: criteria provided, single submitter. Criteria: GeneDx Variant Classification Process June 2021. Collection method: clinical testing. Allele origin: germline.
Comment: Not observed at significant frequency in large population cohorts (gnomAD); In silico analysis suggests that this missense variant does not alter protein structure/function; Has not been previously published as pathogenic or benign to our knowledge